The following is an entry in ClinVar:

NM_004715.5(CTDP1):c.2690G>A (p.Arg897Gln)

Gene: CTDP1 (CTD phosphatase subunit 1; plus strand). Cytogenetic location: 18q23.
Variant type: single nucleotide variant.
Coding change: c.2690G>A on transcript NM_004715.5 (MANE Select); coding-DNA position 2690, G replaced by A.
Protein change: p.Arg897Gln; replaces arginine 897 with glutamine.
Molecular consequence: missense variant. On other transcripts: intron variant (1).
Genome position (GRCh38, 1-based): chr18:79,736,464, G>A. VCF-style: chr18-79736464-G-A. GRCh37 (hg19) VCF-style: chr18-77496464-G-A.
Other names: p.Arg897Gln; c.2333G>A, p.Arg778Gln (NM_001202504.1); c.2527G>A, p.Gly843Arg (NM_048368.4); c.2580+7395G>A (NM_001318511.2); short protein forms R897Q, G843R, R778Q.
Identifiers: ClinVar variation 2893167 (VCV002893167.2), dbSNP rs747760775, ClinGen allele CA9010676.

ClinVar aggregate classification (germline): Uncertain significance. Review status: criteria provided, multiple submitters, no conflicts (2 of 4 stars). 2 submissions from 2 submitters: Uncertain significance (2). Last evaluated 2024-01-08.

Allele frequency attached by ClinVar (database versions not stated): ExAC 0.00005.
gnomAD v4.1: 38 of 1,548,700 alleles (0.0025%); highest among the groups gnomAD compares: South Asian, 0.021%; no homozygotes.

Submissions (2):

Labcorp Genetics (formerly Invitae), Labcorp
Classification: Uncertain significance. Last evaluated: 2024-01-08. Review status: criteria provided, single submitter. Criteria: Invitae Variant Classification Sherloc (09022015). Collection method: clinical testing. Allele origin: germline.
Comment: This sequence change replaces arginine, which is basic and polar, with glutamine, which is neutral and polar, at codon 897 of the CTDP1 protein (p.Arg897Gln). This variant is present in population databases (rs747760775, gnomAD 0.01%). This variant has not been reported in the literature in individuals affected with CTDP1-related conditions. Algorithms developed to predict the effect of missense changes on protein structure and function output the following: SIFT: "Not Available"; PolyPhen-2: "Benign"; Align-GVGD: "Not Available". The glutamine amino acid residue is found in multiple mammalian species, which suggests that this missense change does not adversely affect protein function. In summary, the available evidence is currently insufficient to determine the role of this variant in disease. Therefore, it has been classified as a Variant of Uncertain Significance.

Mayo Clinic Laboratories, Mayo Clinic
Classification: Uncertain significance. Last evaluated: 2023-10-04. Review status: criteria provided, single submitter. Criteria: ACMG Guidelines, 2015. Collection method: clinical testing. Allele origin: germline. Observed: 1 variant allele.
Comment: BP4, PM2_moderate